The following is an entry in ClinVar:

ClinVar aggregate classification (germline): Conflicting classifications of pathogenicity. Review status: criteria provided, conflicting classifications (1 of 4 stars). 3 submissions from 3 submitters: Uncertain significance (2); Benign (1). Last evaluated 2022-05-07.

Conditions:
Xeroderma pigmentosum, group C (XPC). Also called: XPC-Related Xeroderma Pigmentosum; XERODERMA PIGMENTOSUM III; XP, GROUP C; Xeroderma pigmentosum, complementation group C. Identifiers: Orphanet 910, MedGen C2752147, MONDO:0010211, OMIM 278720.
Xeroderma pigmentosum (XP). Identifiers: Orphanet 910, MedGen C0043346, MONDO:0019600.

Submissions (3):

Labcorp Genetics (formerly Invitae), Labcorp
Classification: Benign. Last evaluated: 2022-05-07. Review status: criteria provided, single submitter. Criteria: Invitae Variant Classification Sherloc (09022015). Collection method: clinical testing. Allele origin: germline.

Sema4
Classification: Uncertain significance for Xeroderma pigmentosum. Last evaluated: 2021-08-09. Review status: criteria provided, single submitter. Criteria: Sema4 Curation Guidelines. Collection method: curation. Allele origin: germline.
Comment: To the best of our knowledge, the XPC c.101_103delAGG (p.E34del) in-frame deletion has not been reported in individuals with XPC-related disease. It was observed in 52/18746 chromosomes of the Finnish subpopulation, with no homozygotes, in the large and broad cohorts of the Genome Aggregation Database (PMID: 32461654). The variant has been reported in ClinVar (Variation ID 801938). The evidence is insufficient to meet ACMG/AMP criteria for classifying the variant as benign or pathogenic. Thus, the clinical significance of this variant is currently uncertain.

Mendelics
Classification: Uncertain significance for Xeroderma pigmentosum, group C. Last evaluated: 2019-05-28. Review status: criteria provided, single submitter. Criteria: Mendelics Assertion Criteria 2017. Collection method: clinical testing. Allele origin: unknown.

NM_004628.5(XPC):c.90GGA[4] (p.Glu34del)

Genes: XPC (XPC complex subunit, DNA damage recognition and repair factor; minus strand), LOC129936244 (ATAC-STARR-seq lymphoblastoid active region 19500; plus strand). Cytogenetic location: 3p25.1.
Variant type: Microsatellite.
Coding change: c.90GGA[4] on transcript NM_004628.5 (MANE Select); four copies in a row of the 3-base unit GGA starting at c.90.
Protein change: p.Glu34del; deletes glutamic acid 34.
Molecular consequence: inframe deletion. On other transcripts: 5 prime UTR variant (1), non-coding transcript variant (2), intron variant (1).
Genome position: GRCh38 VCF-style: chr3-14178465-CCCT-C. GRCh37 (hg19) VCF-style: chr3-14219965-CCCT-C.
Other names: c.-366GGA[4] (NM_001354726.2); c.90GGA[4], p.Glu34del (NM_001354727.2, NM_001354730.2); c.85+4AGG[4] (NM_001354729.2); short protein forms E34del.
Identifiers: ClinVar variation 801938 (VCV000801938.10), dbSNP rs750450365, ClinGen allele CA2267819.